The following is an entry in ClinVar:

ClinVar aggregate classification (germline): Uncertain significance. Review status: criteria provided, multiple submitters, no conflicts (2 of 4 stars). 2 submissions from 2 submitters: Uncertain significance (2). Last evaluated 2026-05-28.

Conditions:
Cardiovascular phenotype. Identifiers: MedGen CN230736.
Progressive familial heart block type IB (PFHB1B). Identifiers: Orphanet 871, MedGen C1970298, MONDO:0011474, OMIM 604559.

Allele frequency attached by ClinVar (database versions not stated): gnomAD exomes below 0.00001; TOPMed 0.00002; gnomAD 0.00001.
gnomAD v4.1: 9 of 1,613,930 alleles (0.00056%); highest among the groups gnomAD compares: Non-Finnish European, 0.00076%; no homozygotes.

Submissions (2):

Ambry Genetics
Classification: Uncertain significance for Cardiovascular phenotype. Last evaluated: 2026-05-28. Review status: criteria provided, single submitter. Criteria: Ambry Variant Classification Scheme 2023. Collection method: clinical testing. Allele origin: germline.
Comment: The p.R955W variant (also known as c.2863C>T), located in coding exon 19 of the TRPM4 gene, results from a C to T substitution at nucleotide position 2863. The arginine at codon 955 is replaced by tryptophan, an amino acid with dissimilar properties. This amino acid position is conserved. In addition, this alteration is predicted to be tolerated by in silico analysis. Based on the available evidence, the clinical significance of this variant remains unclear.

Labcorp Genetics (formerly Invitae), Labcorp
Classification: Uncertain significance for Progressive familial heart block type IB. Last evaluated: 2025-09-05. Review status: criteria provided, single submitter. Criteria: Invitae Variant Classification Sherloc (09022015). Collection method: clinical testing. Allele origin: germline.
Comment: This sequence change replaces arginine, which is basic and polar, with tryptophan, which is neutral and slightly polar, at codon 955 of the TRPM4 protein (p.Arg955Trp). This variant is present in population databases (no rsID available, gnomAD 0.0009%). This variant has not been reported in the literature in individuals affected with TRPM4-related conditions. ClinVar contains an entry for this variant (Variation ID: 409638). An algorithm developed to predict the effect of missense changes on protein structure and function (PolyPhen-2) suggests that this variant is likely to be disruptive. In summary, the available evidence is currently insufficient to determine the role of this variant in disease. Therefore, it has been classified as a Variant of Uncertain Significance.

NM_017636.4(TRPM4):c.2863C>T (p.Arg955Trp)

Gene: TRPM4 (transient receptor potential cation channel subfamily M member 4; plus strand). Cytogenetic location: 19q13.33.
Variant type: single nucleotide variant.
Coding change: c.2863C>T on transcript NM_017636.4 (MANE Select); coding-DNA position 2863, C replaced by T.
Protein change: p.Arg955Trp; replaces arginine 955 with tryptophan.
Molecular consequence: missense variant.
Genome position (GRCh38, 1-based): chr19:49,200,695, C>T. VCF-style: chr19-49200695-C-T. GRCh37 (hg19) VCF-style: chr19-49703952-C-T.
Other names: c.2428C>T, p.Arg810Trp (NM_001195227.2); c.2518C>T, p.Arg840Trp (NM_001321281.2); c.1255C>T, p.Arg419Trp (NM_001321282.2); c.2341C>T, p.Arg781Trp (NM_001321283.2); c.1801C>T, p.Arg601Trp (NM_001321285.2); short protein forms R955W, R419W, R601W, R781W, R810W, R840W.
Identifiers: ClinVar variation 409638 (VCV000409638.8), dbSNP rs1013171855, ClinGen allele CA16616288.